The following is an entry in ClinVar:

NM_144670.6(A2ML1):c.419G>A (p.Arg140His)

Genes: A2ML1 (alpha-2-macroglobulin like 1; plus strand), A2ML1-AS1 (A2ML1 antisense RNA 1; minus strand). Cytogenetic location: 12p13.31.
Variant type: single nucleotide variant.
Coding change: c.419G>A on transcript NM_144670.6 (MANE Select); coding-DNA position 419, G replaced by A.
Protein change: p.Arg140His; replaces arginine 140 with histidine.
Molecular consequence: missense variant.
Genome position (GRCh38, 1-based): chr12:8,829,736, G>A. VCF-style: chr12-8829736-G-A. GRCh37 (hg19) VCF-style: chr12-8982332-G-A.
Other names: short protein forms R140H.
Identifiers: ClinVar variation 661584 (VCV000661584.9), dbSNP rs768879801, ClinGen allele CA6435275.

ClinVar aggregate classification (germline): Uncertain significance (1 of 4 stars; one submission).

Allele frequency attached by ClinVar (database versions not stated): gnomAD 0.00002; TOPMed 0.00003.

Submission:

Labcorp Genetics (formerly Invitae), Labcorp
Classification: Uncertain significance. Last evaluated: 2025-12-08. Review status: criteria provided, single submitter. Criteria: Invitae Variant Classification Sherloc (09022015). Collection method: clinical testing. Allele origin: germline.
Comment: This sequence change replaces arginine, which is basic and polar, with histidine, which is basic and polar, at codon 140 of the A2ML1 protein (p.Arg140His). This variant is present in population databases (rs768879801, gnomAD 0.004%). This variant has not been reported in the literature in individuals affected with A2ML1-related conditions. ClinVar contains an entry for this variant (Variation ID: 661584). An algorithm developed to predict the effect of missense changes on protein structure and function (PolyPhen-2) suggests that this variant is likely to be disruptive. In summary, the available evidence is currently insufficient to determine the role of this variant in disease. Therefore, it has been classified as a Variant of Uncertain Significance.